The following is an entry in ClinVar:

ClinVar aggregate classification (germline): Uncertain significance (1 of 4 stars; one submission).

gnomAD v4.1: 2 of 1,614,142 alleles (0.00012%); highest among the groups gnomAD compares: Non-Finnish European, 0.00017%; no homozygotes.

Submission:

Labcorp Genetics (formerly Invitae), Labcorp
Classification: Uncertain significance. Last evaluated: 2024-04-30. Review status: criteria provided, single submitter. Criteria: Invitae Variant Classification Sherloc (09022015). Collection method: clinical testing. Allele origin: germline.
Comment: This sequence change replaces valine, which is neutral and non-polar, with alanine, which is neutral and non-polar, at codon 193 of the CCBE1 protein (p.Val193Ala). This variant is not present in population databases (gnomAD no frequency). This variant has not been reported in the literature in individuals affected with CCBE1-related conditions. ClinVar contains an entry for this variant (Variation ID: 2126767). Advanced modeling of protein sequence and biophysical properties (such as structural, functional, and spatial information, amino acid conservation, physicochemical variation, residue mobility, and thermodynamic stability) performed at Invitae indicates that this missense variant is not expected to disrupt CCBE1 protein function with a negative predictive value of 80%. In summary, the available evidence is currently insufficient to determine the role of this variant in disease. Therefore, it has been classified as a Variant of Uncertain Significance.

NM_133459.4(CCBE1):c.578T>C (p.Val193Ala)

Gene: CCBE1 (collagen and calcium binding EGF domains 1; minus strand). Cytogenetic location: 18q21.32.
Variant type: single nucleotide variant.
Coding change: c.578T>C on transcript NM_133459.4 (MANE Select); coding-DNA position 578, T replaced by C.
Protein change: p.Val193Ala; replaces valine 193 with alanine.
Molecular consequence: missense variant.
Genome position (GRCh38, 1-based): chr18:59,454,927, A>G on the plus strand (T>C on the coding strand, the complement: CCBE1 is on the minus strand). VCF-style: chr18-59454927-A-G. GRCh37 (hg19) VCF-style: chr18-57122159-A-G.
Other names: short protein forms V193A.
Identifiers: ClinVar variation 2126767 (VCV002126767.4), dbSNP rs11659589, ClinGen allele CA402596912.